The following is an entry in ClinVar:

ClinVar aggregate classification (germline): Uncertain significance (1 of 4 stars; one submission).

Conditions:
Skraban-Deardorff syndrome. Also called: INTELLECTUAL DISABILITY WITH SEIZURES, ABNORMAL GAIT, AND DISTINCTIVE FACIAL FEATURES; WDR26-Related Intellectual Disability. Identifiers: Orphanet 513456, MedGen C4539927, MONDO:0054636, OMIM 617616.

Submission:

Diagnostics Services (NGS), CSIR - Centre For Cellular And Molecular Biology
Classification: Uncertain significance for Skraban-Deardorff syndrome. Last evaluated: 2025-11-28. Review status: criteria provided, single submitter. Criteria: ACMG Guidelines, 2015. Collection method: clinical testing. Allele origin: germline. Affected: yes. Observed: 1 variant allele, 1 heterozygote.
Comment: The c.1502C>T variant is not present in publicly available population databases like 1000 Genomes, EVS, gnomAD, Indian Exome Database and our internal database. This variant has neither been published in the literature for WDR26-related conditions nor reported to clinical databases like Human Genome Mutation database (HGMD), OMIM, or ClinVar, in any affected individuals. In-silico pathogenicity prediction programs like MutationTaster2, CADD, etc predicted this variant to be likely deleterious however these predictions were not confirmed by published functional studies.

NM_001379403.1(WDR26):c.1502C>T (p.Ala501Val)

Gene: WDR26 (WD repeat domain 26; minus strand). Cytogenetic location: 1q42.12.
Variant type: single nucleotide variant.
Coding change: c.1502C>T on transcript NM_001379403.1 (MANE Select); coding-DNA position 1502, C replaced by T.
Protein change: p.Ala501Val; replaces alanine 501 with valine.
Molecular consequence: missense variant.
Genome position (GRCh38, 1-based): chr1:224,404,527, G>A on the plus strand (C>T on the coding strand, the complement: WDR26 is on the minus strand). VCF-style: chr1-224404527-G-A. GRCh37 (hg19) VCF-style: chr1-224592229-G-A.
Other names: c.1154C>T, p.Ala385Val (NM_001115113.3); c.1202C>T, p.Ala401Val (NM_025160.7); short protein forms A385V, A401V, A501V.
Identifiers: ClinVar variation 4849665 (VCV004849665.1).